The following is an entry in ClinVar:

ClinVar aggregate classification (germline): Uncertain significance. Review status: criteria provided, multiple submitters, no conflicts (2 of 4 stars). 2 submissions from 2 submitters: Uncertain significance (2). Last evaluated 2026-01-11.

Conditions:
Aicardi-Goutieres syndrome 3. Identifiers: Orphanet 51, MedGen C1835916, MONDO:0012471, OMIM 610329.
Inborn genetic diseases. Identifiers: MedGen C0950123, MeSH D030342.

Allele frequency attached by ClinVar (database versions not stated): gnomAD 0.00001; gnomAD exomes 0.00001; ExAC 0.00002.

Submissions (2):

Labcorp Genetics (formerly Invitae), Labcorp
Classification: Uncertain significance for Aicardi-Goutieres syndrome 3. Last evaluated: 2026-01-11. Review status: criteria provided, single submitter. Criteria: Invitae Variant Classification Sherloc (09022015). Collection method: clinical testing. Allele origin: germline.
Comment: This sequence change replaces aspartic acid, which is acidic and polar, with glycine, which is neutral and non-polar, at codon 164 of the RNASEH2C protein (p.Asp164Gly). This variant is present in population databases (rs771823743, gnomAD 0.003%). This variant has not been reported in the literature in individuals affected with RNASEH2C-related conditions. ClinVar contains an entry for this variant (Variation ID: 1056849). An algorithm developed to predict the effect of missense changes on protein structure and function (PolyPhen-2) suggests that this variant is likely to be disruptive. Algorithms developed to predict the effect of sequence changes on RNA splicing suggest that this variant may disrupt the consensus splice site. In summary, the available evidence is currently insufficient to determine the role of this variant in disease. Therefore, it has been classified as a Variant of Uncertain Significance.

Ambry Genetics
Classification: Uncertain significance for Inborn genetic diseases. Last evaluated: 2022-12-21. Review status: criteria provided, single submitter. Criteria: Ambry Variant Classification Scheme 2023. Collection method: clinical testing. Allele origin: germline.

NM_032193.4(RNASEH2C):c.491A>G (p.Asp164Gly)

Gene: RNASEH2C (ribonuclease H2 subunit C; minus strand). Cytogenetic location: 11q13.1.
Variant type: single nucleotide variant.
Coding change: c.491A>G on transcript NM_032193.4 (MANE Select); coding-DNA position 491, A replaced by G.
Protein change: p.Asp164Gly; replaces aspartic acid 164 with glycine.
Molecular consequence: missense variant.
Genome position (GRCh38, 1-based): chr11:65,719,787, T>C on the plus strand (A>G on the coding strand, the complement: RNASEH2C is on the minus strand). VCF-style: chr11-65719787-T-C. GRCh37 (hg19) VCF-style: chr11-65487258-T-C.
Other names: c.491A>G (NM_032193.3); short protein forms D164G.
Identifiers: ClinVar variation 1056849 (VCV001056849.9), dbSNP rs771823743, ClinGen allele CA6107595.